The following is an entry in ClinVar:

NM_000500.9(CYP21A2):c.37C>A (p.Leu13Met)

Genes: CYP21A2 (cytochrome P450 family 21 subfamily A member 2; plus strand), LOC106780800 (CYP21A2 recombination region; plus strand). Cytogenetic location: 6p21.33.
Variant type: single nucleotide variant.
Coding change: c.37C>A on transcript NM_000500.9 (MANE Select); coding-DNA position 37, C replaced by A.
Protein change: p.Leu13Met; replaces leucine 13 with methionine.
Molecular consequence: missense variant. On other transcripts: 5 prime UTR variant (2).
Genome position (GRCh38, 1-based): chr6:32,038,459, C>A. VCF-style: chr6-32038459-C-A. GRCh37 (hg19) VCF-style: chr6-32006236-C-A.
Other names: c.37C>A, p.Leu13Met (NM_001128590.4); c.-388C>A (NM_001368143.2); c.-298C>A (NM_001368144.2); short protein forms L13M.
Identifiers: ClinVar variation 2431669 (VCV002431669.1), dbSNP rs758864534, ClinGen allele CA363498658.
Genomic context (GRCh38, chr6:32,038,459, plus strand): 5'-CAGGGCCCTGACGGGCGTCTCGCCATGCTGCTCCTGGGCCTGCTGCTGCTGCTGCCCCTG[C>A]TGGCTGGCGCCCGCCTGCTGTGGAACTGGTGGAAGCTCCGGAGCCTCCACCTCCCGCCTC-3'
Protein context (NP_000491.4, residues 3-23): LLGLLLLLPL[Leu13Met]AGARLLWNWW

ClinVar aggregate classification (germline): Uncertain significance (1 of 4 stars; one submission).

Conditions:
21-Hydroxylase-Deficient Congenital Adrenal Hyperplasia. Also called: ADRENAL HYPERPLASIA III; ADRENAL HYPERPLASIA, CONGENITAL, DUE TO 21-HYDROXYLASE DEFICIENCY. Identifiers: MedGen C2936858, OMIM 201910.

Submission:

Laboratorio de Genetica e Diagnostico Molecular, Hospital Israelita Albert Einstein
Classification: Uncertain significance for 21-Hydroxylase-Deficient Congenital Adrenal Hyperplasia. Last evaluated: 2023-01-20. Review status: criteria provided, single submitter. Criteria: ACMG Guidelines, 2015. Collection method: clinical testing. Allele origin: germline. Affected: yes. Observed: 1 variant allele.
Comment: ACMG classification criteria: PM2 moderated, BP4 supporting